The following is an entry in ClinVar:

NM_001111.5(ADAR):c.1208T>C (p.Met403Thr)

Gene: ADAR (adenosine deaminase RNA specific; minus strand). Cytogenetic location: 1q21.3.
Variant type: single nucleotide variant.
Coding change: c.1208T>C on transcript NM_001111.5 (MANE Select); coding-DNA position 1208, T replaced by C.
Protein change: p.Met403Thr; replaces methionine 403 with threonine.
Molecular consequence: missense variant.
Genome position (GRCh38, 1-based): chr1:154,601,434, A>G on the plus strand (T>C on the coding strand, the complement: ADAR is on the minus strand). VCF-style: chr1-154601434-A-G. GRCh37 (hg19) VCF-style: chr1-154573910-A-G.
Other names: c.323T>C, p.Met108Thr (NM_001025107.3, NM_001193495.2, NM_001365046.1 and 3 more transcripts); c.1235T>C, p.Met412Thr (NM_001365045.1); c.1208T>C, p.Met403Thr (NM_015840.4, NM_015841.4); short protein forms M108T, M412T, M403T.
Identifiers: ClinVar variation 1384517 (VCV001384517.6), dbSNP rs2101639346, ClinGen allele CA342597146.

ClinVar aggregate classification (germline): Uncertain significance (1 of 4 stars; one submission).

Conditions:
Symmetrical dyschromatosis of extremities (DSH). Also called: RETICULATE ACROPIGMENTATION OF DOHI; SYMMETRIC DYSCHROMATOSIS OF THE EXTREMITIES; Dyschromatosis symmetrica hereditaria; DYSCHROMATOSIS SYMMETRICA HEREDITARIA 1. Identifiers: Orphanet 41, MedGen C0406775, MONDO:0007483, OMIM 127400.
Aicardi-Goutieres syndrome 6 (AGS6). Identifiers: Orphanet 51, MedGen C3539013, MONDO:0014007, OMIM 615010.

Submission:

Labcorp Genetics (formerly Invitae), Labcorp
Classification: Uncertain significance for Aicardi-Goutieres syndrome 6; Symmetrical dyschromatosis of extremities. Last evaluated: 2022-06-13. Review status: criteria provided, single submitter. Criteria: Invitae Variant Classification Sherloc (09022015). Collection method: clinical testing. Allele origin: germline.
Comment: This variant is not present in population databases (gnomAD no frequency). In summary, the available evidence is currently insufficient to determine the role of this variant in disease. Therefore, it has been classified as a Variant of Uncertain Significance. Algorithms developed to predict the effect of missense changes on protein structure and function output the following: SIFT: "Deleterious"; PolyPhen-2: "Benign"; Align-GVGD: "Class C0". The threonine amino acid residue is found in multiple mammalian species, which suggests that this missense change does not adversely affect protein function. This variant has not been reported in the literature in individuals affected with ADAR-related conditions. This sequence change replaces methionine, which is neutral and non-polar, with threonine, which is neutral and polar, at codon 403 of the ADAR protein (p.Met403Thr).